The following is an entry in ClinVar:

NM_007294.4(BRCA1):c.2017G>C (p.Glu673Gln)

Gene: BRCA1 (BRCA1 DNA repair associated; minus strand). Cytogenetic location: 17q21.31.
Variant type: single nucleotide variant.
Coding change: c.2017G>C on transcript NM_007294.4 (MANE Select); coding-DNA position 2017, G replaced by C.
Protein change: p.Glu673Gln; replaces glutamic acid 673 with glutamine.
Molecular consequence: missense variant. On other transcripts: intron variant (137).
Genome position (GRCh38, 1-based): chr17:43,093,514, C>G on the plus strand (G>C on the coding strand, the complement: BRCA1 is on the minus strand). VCF-style: chr17-43093514-C-G. GRCh37 (hg19) VCF-style: chr17-41245531-C-G.
Other names: c.1873G>C, p.Glu625Gln (NM_001407849.1, NM_001407740.1, NM_001407741.1 and 20 more transcripts); c.1876G>C, p.Glu626Gln (NM_001407850.1, NM_001407851.1, NM_001407852.1 and 29 more transcripts); c.1804G>C, p.Glu602Gln (NM_001407853.1, NM_001407898.1, NM_001407899.1 and 9 more transcripts); c.2017G>C, p.Glu673Gln (NM_001407854.1, NM_001407858.1, NM_001407859.1 and 30 more transcripts); c.2014G>C, p.Glu672Gln (NM_001407860.1, NM_001407861.1, NM_001407587.1 and 22 more transcripts); c.1807G>C, p.Glu603Gln (NM_001407900.1, NM_001407902.1, NM_001407904.1 and 13 more transcripts); c.1813G>C, p.Glu605Gln (NM_001407874.1, NM_001407875.1); c.1816G>C, p.Glu606Gln (NM_001407862.1); and 40 more; short protein forms E626Q, E673Q, E545Q, E561Q, E585Q, E602Q, E631Q, E647Q.
Identifiers: ClinVar variation 661099 (VCV000661099.12), dbSNP rs80357391, ClinGen allele CA10597976.
Genomic context (GRCh38, chr17:43,093,514, plus strand): 5'-CATGTCTTTTACTTGTCTGTTCATTTGGCTTGTTACTCTTCTTGGCTCCAGTTGCAGGTT[C>G]TTTACCTTCCATGAGTTGTAGGTTTCTGCTGTGCCTGACTGGCATTTGGTTGTACTTTTT-3'
Protein context (NP_009225.1, residues 663-683): SRNLQLMEGK[Glu673Gln]PATGAKKSNK

ClinVar aggregate classification (germline): Conflicting classifications of pathogenicity. Review status: criteria provided, conflicting classifications (1 of 4 stars). 2 submissions from 2 submitters: Uncertain significance (1); Likely benign (1). Last evaluated 2023-03-23.

Conditions:
Hereditary breast ovarian cancer syndrome. Also called: Hereditary breast and ovarian cancer syndrome (HBOC); Hereditary breast and ovarian cancer syndrome; Breast and ovarian cancer; Hereditary breast and ovarian cancer; Hereditary breast and/or ovarian cancer syndrome; BRCA1- and BRCA2-Associated Hereditary Breast and Ovarian Cancer. Identifiers: Orphanet 145, MedGen C0677776, MeSH D061325, MONDO:0003582. Disease mechanism: loss of function.
Hereditary cancer-predisposing syndrome. Also called: Neoplastic Syndromes, Hereditary; Tumor predisposition; Hereditary neoplastic syndrome; Hereditary Cancer Syndrome. Identifiers: Orphanet 140162, MedGen C0027672, MeSH D009386, MONDO:0015356.

Submissions (2):

University of Washington Department of Laboratory Medicine, University of Washington
Classification: Likely benign for Hereditary cancer-predisposing syndrome. Last evaluated: 2023-03-23. Review status: criteria provided, single submitter. Criteria: Dines et al. (Genet Med. 2020). Collection method: curation. Allele origin: germline.
Comment: Missense variant in a coldspot region where missense variants are very unlikely to be pathogenic (PMID:31911673).

BRCA1 coldspot (exon 11 using historical exon numbering). Reclassification based on statistical prior probability

Labcorp Genetics (formerly Invitae), Labcorp
Classification: Uncertain significance for Hereditary breast ovarian cancer syndrome. Last evaluated: 2018-07-03. Review status: criteria provided, single submitter. Criteria: Invitae Variant Classification Sherloc (09022015). Collection method: clinical testing. Allele origin: germline.
Comment: In summary, the available evidence is currently insufficient to determine the role of this variant in disease. Therefore, it has been classified as a Variant of Uncertain Significance. Algorithms developed to predict the effect of missense changes on protein structure and function are either unavailable or do not agree on the potential impact of this missense change (SIFT: "Tolerated"; PolyPhen-2: "Probably Damaging"; Align-GVGD: "Class C0"). This variant has not been reported in the literature in individuals with BRCA1-related disease. This variant is not present in population databases (ExAC no frequency). This sequence change replaces glutamic acid with glutamine at codon 673 of the BRCA1 protein (p.Glu673Gln). The glutamic acid residue is moderately conserved and there is a small physicochemical difference between glutamic acid and glutamine.